The following is an entry in ClinVar:

NM_001042681.2(RERE):c.1047A>G (p.Thr349=)

Gene: RERE (arginine-glutamic acid dipeptide repeats; minus strand). Cytogenetic location: 1p36.23.
Variant type: single nucleotide variant.
Coding change: c.1047A>G on transcript NM_001042681.2 (MANE Select); coding-DNA position 1047, A replaced by G.
Protein change: p.Thr349=; no amino-acid change (threonine 349 retained).
Molecular consequence: synonymous variant.
Genome position (GRCh38, 1-based): chr1:8,495,120, T>C on the plus strand (A>G on the coding strand, the complement: RERE is on the minus strand). VCF-style: chr1-8495120-T-C. GRCh37 (hg19) VCF-style: chr1-8555180-T-C.
Other names: c.1047A>G, p.Thr349= (NM_012102.4).
Identifiers: ClinVar variation 1546820 (VCV001546820.27), dbSNP rs778767472, ClinGen allele CA571891.

ClinVar aggregate classification (germline): Likely benign. Review status: criteria provided, multiple submitters, no conflicts (2 of 4 stars). 2 submissions from 2 submitters: Likely benign (2). Last evaluated 2024-05-01.

Allele frequency attached by ClinVar (database versions not stated): gnomAD exomes below 0.00001; TOPMed below 0.00001; ExAC 0.00001.
gnomAD v4.1: 3 of 1,614,070 alleles (0.00019%); highest among the groups gnomAD compares: East Asian, 0.0045%; no homozygotes.

Submissions (2):

CeGaT Center for Human Genetics Tuebingen
Classification: Likely benign. Last evaluated: 2024-05-01. Review status: criteria provided, single submitter. Criteria: CeGaT Center For Human Genetics Tuebingen Variant Classification Criteria Version 2. Collection method: clinical testing. Allele origin: germline. Affected: yes. Observed: 1 variant allele.
Comment: RERE: BP4, BP7

Labcorp Genetics (formerly Invitae), Labcorp
Classification: Likely benign. Last evaluated: 2024-02-24. Review status: criteria provided, single submitter. Criteria: Invitae Variant Classification Sherloc (09022015). Collection method: clinical testing. Allele origin: germline.